The following is an entry in ClinVar:

NM_000094.4(COL7A1):c.6035G>A (p.Gly2012Asp)

Gene: COL7A1 (collagen type VII alpha 1 chain; minus strand). Cytogenetic location: 3p21.31.
Variant type: single nucleotide variant.
Coding change: c.6035G>A on transcript NM_000094.4 (MANE Select); coding-DNA position 6035, G replaced by A.
Protein change: p.Gly2012Asp; replaces glycine 2012 with aspartic acid.
Molecular consequence: missense variant.
Genome position (GRCh38, 1-based): chr3:48,575,484, C>T on the plus strand (G>A on the coding strand, the complement: COL7A1 is on the minus strand). VCF-style: chr3-48575484-C-T. GRCh37 (hg19) VCF-style: chr3-48612917-C-T.
Other names: short protein forms G2012D.
Identifiers: ClinVar variation 1676648 (VCV001676648.2), dbSNP rs2107674937, ClinGen allele CA352663738.

ClinVar aggregate classification (germline): Pathogenic. Review status: criteria provided, multiple submitters, no conflicts (2 of 4 stars). 2 submissions from 2 submitters: Pathogenic (2). Last evaluated 2022-05-16.

Conditions:
Generalized dominant dystrophic epidermolysis bullosa (DDEB). Also called: DYSTROPHIC EPIDERMOLYSIS BULLOSA, AUTOSOMAL DOMINANT; Epidermolysis bullosa dystrophica, autosomal dominant; DDEB, generalized; DDEB-gen; Dominant DEB (DDEB). Identifiers: Orphanet 231568, MedGen C0432322, MONDO:0007549, OMIM 131750.

Submissions (2):

GeneDx
Classification: Pathogenic. Last evaluated: 2022-05-16. Review status: criteria provided, single submitter. Criteria: GeneDx Variant Classification Process June 2021. Collection method: clinical testing. Allele origin: germline. Affected: yes.
Comment: Located in the highly conserved Gly-X-Y repeat of the collagenous domain; Glycine substitution variants in this region of the COLVII protein destabilize the collagen triple helix resulting in skin fragility due to poor anchoring of the basement membrane to the underlying dermis (Pfendner and Lucky, 2018); Not observed at significant frequency in large population cohorts (gnomAD); In silico analysis supports that this missense variant has a deleterious effect on protein structure/function; This variant is associated with the following publications: (PMID: 33274474, 11952672, 21448560)

Center for Research in Genodermatoses and Epidermolysis Bullosa, University of Buenos Aires
Classification: Pathogenic for Generalized dominant dystrophic epidermolysis bullosa. Last evaluated: 2022-03-14. Review status: criteria provided, single submitter. Criteria: ACMG Guidelines, 2015. Collection method: clinical testing. Allele origin: germline. Affected: yes. Observed: 1 variant allele, 1 heterozygote.

Literature cited by the submitters: PubMed 35979658 (cited by Center for Research in Genodermatoses and Epidermolysis Bullosa, University of Buenos Aires); PubMed 11952672 (cited by Center for Research in Genodermatoses and Epidermolysis Bullosa, University of Buenos Aires).